The following is an entry in ClinVar:

ClinVar aggregate classification (germline): Likely pathogenic (1 of 4 stars; one submission).

Conditions:
Familial juvenile hyperuricemic nephropathy type 1 (ADTKD1). Also called: Autosomal Dominant Tubulointerstitial Kidney Disease – UMOD; Glomerulocystic kidney disease with hyperuricemia and isosthenuria; Medullary cystic kidney disease 2; UMOD-Associated Kidney Disease; Uromodulin-associated kidney disease. Identifiers: Orphanet 209886, Orphanet 34149, Orphanet 88950, MedGen C4551496, MONDO:0008073, OMIM 162000.

Submission:

MVZ Medizinische Genetik Mainz
Classification: Likely pathogenic for Familial juvenile hyperuricemic nephropathy type 1. Last evaluated: 2025-09-24. Review status: criteria provided, single submitter. Criteria: UK Practice Guidelines For Variant Classification V4 01 2020. Collection method: clinical testing. Allele origin: germline. Inheritance: Autosomal dominant inheritance. Affected: yes. Observed: 1 variant allele.
Comment: ACMG Criteria: PS1_MOD,PM1,PM2_SUP,PP3

NM_003361.4(UMOD):c.520_522delinsCGT (p.Cys174Arg)

Gene: UMOD (uromodulin; minus strand). Cytogenetic location: 16p12.3.
Variant type: Indel.
Coding change: c.520_522delinsCGT on transcript NM_003361.4 (MANE Select); coding-DNA positions 520 to 522, TGC replaced by CGT.
Protein change: p.Cys174Arg; replaces cysteine 174 with arginine.
Molecular consequence: missense variant. On other transcripts: non-coding transcript variant (1).
Genome position (GRCh38, 1-based): chr16:20,348,779-20,348,781, GCA replaced by ACG on the plus strand (TGC replaced by CGT on the coding strand, the reverse complement: UMOD is on the minus strand). VCF-style: chr16-20348779-GCA-ACG. GRCh37 (hg19) VCF-style: chr16-20360101-GCA-ACG.
Other names: c.520_522delinsCGT, p.Cys174Arg (NM_001008389.3, NM_001378232.1, NM_001378233.1 and 3 more transcripts); c.619_621delinsCGT, p.Cys207Arg (NM_001278614.2); short protein forms C174R, C207R.
Identifiers: ClinVar variation 4526526 (VCV004526526.1).
Genomic context (GRCh38, chr16:20,348,779, plus strand): 5'-GGCGTAGCCCTCCCCGTACTCGGTGCTGCGCCAGTACTCGTCCAGGGTGCGGTGCGCCTG[GCA>ACG]CGGATCCGCGCACACGAGCGCGTCGCCCTCGGGCACGCAGTCCAACCCCGGCCCGCAGGA-3'
Protein context (NP_003352.2, residues 164-184): EGDALVCADP[Cys174Arg]QAHRTLDEYW